The following is an entry in ClinVar:

NM_014495.4(ANGPTL3):c.931+2dup

Genes: ANGPTL3 (angiopoietin like 3; plus strand), DOCK7 (dedicator of cytokinesis 7; minus strand). Cytogenetic location: 1p31.3.
Variant type: Duplication.
Coding change: c.931+2dup on transcript NM_014495.4 (MANE Select); the canonical splice donor site of the intron after coding-DNA position 931, one base duplicated (T; older notation c.931+2dupT).
Molecular consequence: splice donor variant. On other transcripts: intron variant (7).
Genome position (GRCh38, 1-based): chr1:62,602,382, T duplicated. VCF-style (leftmost placement, unchanged base first): chr1-62602381-G-GT. GRCh37 (hg19) VCF-style: chr1-63068052-G-GT.
Other names: c.1683-15758dup (NM_001272001.2, NM_001272000.2, NM_033407.4 and 4 more transcripts).
Identifiers: ClinVar variation 3340384 (VCV003340384.1).

ClinVar aggregate classification (germline): Uncertain significance (1 of 4 stars; one submission).

Submission:

GeneDx
Classification: Uncertain significance. Last evaluated: 2023-08-04. Review status: criteria provided, single submitter. Criteria: GeneDx Variant Classification Process June 2021. Collection method: clinical testing. Allele origin: germline. Affected: yes.
Comment: Canonical splice site variant predicted to result in an in-frame loss of the adjacent exon in a gene for which loss of function is a known mechanism of disease; Reported in 3/40,430 controls and not seen in 13,102 patients with coronary artery disease from the DiscovEHR cohort (Dewey et al., 2017); This variant is associated with the following publications: (PMID: 28538136)